The following is an entry in ClinVar:

ClinVar aggregate classification (germline): Uncertain significance. Review status: criteria provided, multiple submitters, no conflicts (2 of 4 stars). 2 submissions from 2 submitters: Uncertain significance (2). Last evaluated 2025-12-13.

Conditions:
Angelman syndrome-like. Identifiers: MedGen CN128785.
Developmental and epileptic encephalopathy, 2 (DEE2). Also called: INFANTILE SPASM SYNDROME, X-LINKED 2; CDKL5 deficiency disorder. Identifiers: Orphanet 1934, Orphanet 3451, Orphanet 505652, MedGen C4750718, MONDO:0010396, OMIM 300672.
CDKL5 disorder. Identifiers: MedGen CN296942, MONDO:0100039.

Submissions (2):

Labcorp Genetics (formerly Invitae), Labcorp
Classification: Uncertain significance for Developmental and epileptic encephalopathy, 2; Angelman syndrome-like. Last evaluated: 2025-12-13. Review status: criteria provided, single submitter. Criteria: Invitae Variant Classification Sherloc (09022015). Collection method: clinical testing. Allele origin: germline.
Comment: This sequence change replaces alanine, which is neutral and non-polar, with aspartic acid, which is acidic and polar, at codon 173 of the CDKL5 protein (p.Ala173Asp). This variant is not present in population databases (gnomAD no frequency). This variant has not been reported in the literature in individuals affected with CDKL5-related conditions. ClinVar contains an entry for this variant (Variation ID: 3344012). Invitae Evidence Modeling of protein sequence and biophysical properties (such as structural, functional, and spatial information, amino acid conservation, physicochemical variation, residue mobility, and thermodynamic stability) indicates that this missense variant is expected to disrupt CDKL5 protein function with a positive predictive value of 95%. In summary, the available evidence is currently insufficient to determine the role of this variant in disease. Therefore, it has been classified as a Variant of Uncertain Significance.

Centre for Population Genomics, CPG
Classification: Uncertain significance for CDKL5 disorder. Last evaluated: 2024-07-11. Review status: criteria provided, single submitter. Criteria: McKnight et al. (Hum Mutat. 2022). Collection method: curation. Allele origin: germline. Inheritance: X-linked inheritance.
Comment: This variant has been collected from RettBASE and curated to current modified ACMG/AMP criteria. Based on the classification scheme defined by the ClinGen Rett/Angelman-like Expert Panel for Rett/AS-like Disorders Specifications to the ACMG/AMP Variant Interpretation Guidelines VCEP 3.0, this variant is classified as a variant of uncertain significance. At least the following criteria are met: Computational prediction analysis tools suggests a deleterious impact (REVEL score>= 0.75) (PP3). This variant is absent from gnomAD v4 (PM2_Supporting).

NM_001323289.2(CDKL5):c.518C>A (p.Ala173Asp)

Gene: CDKL5 (cyclin dependent kinase like 5; plus strand). Cytogenetic location: Xp22.13.
Variant type: single nucleotide variant.
Coding change: c.518C>A on transcript NM_001323289.2 (MANE Select); coding-DNA position 518, C replaced by A.
Protein change: p.Ala173Asp; replaces alanine 173 with aspartic acid.
Molecular consequence: missense variant.
Genome position (GRCh38, 1-based): chrX:18,584,317, C>A. VCF-style: chrX-18584317-C-A. GRCh37 (hg19) VCF-style: chrX-18602437-C-A.
Other names: NM_003159.3:c.518C>A; c.518C>A, p.Ala173Asp (NM_001037343.2, NM_003159.3); short protein forms A173D.
Identifiers: ClinVar variation 3344012 (VCV003344012.2).